The following is an entry in ClinVar:

NM_015512.5(DNAH1):c.2553C>A (p.Ser851Arg)

Gene: DNAH1 (dynein axonemal heavy chain 1; plus strand). Cytogenetic location: 3p21.1.
Variant type: single nucleotide variant.
Coding change: c.2553C>A on transcript NM_015512.5 (MANE Select); coding-DNA position 2553, C replaced by A.
Protein change: p.Ser851Arg; replaces serine 851 with arginine.
Molecular consequence: missense variant.
Genome position (GRCh38, 1-based): chr3:52,350,015, C>A. VCF-style: chr3-52350015-C-A. GRCh37 (hg19) VCF-style: chr3-52384031-C-A.
Other names: short protein forms S851R.
Identifiers: ClinVar variation 2043440 (VCV002043440.2), dbSNP rs1329275992, ClinGen allele CA353103681.

ClinVar aggregate classification (germline): Uncertain significance (1 of 4 stars; one submission).

Conditions:
Spermatogenic failure 18. Identifiers: MedGen C4539783, MONDO:0054615, OMIM 617576.
Ciliary dyskinesia, primary, 37 (CILD37). Also called: CILIARY DYSKINESIA, PRIMARY, 37, WITH OR WITHOUT SITUS INVERSUS. Identifiers: MedGen C4539798, MONDO:0033204, OMIM 617577.

Allele frequency attached by ClinVar (database versions not stated): gnomAD exomes below 0.00001.
gnomAD v4.1: 1 of 1,612,540 alleles (0.000062%); highest among the groups gnomAD compares: Admixed American, 0.0017%; no homozygotes.

Submission:

Labcorp Genetics (formerly Invitae), Labcorp
Classification: Uncertain significance for Ciliary dyskinesia, primary, 37; Spermatogenic failure 18. Last evaluated: 2022-08-13. Review status: criteria provided, single submitter. Criteria: Invitae Variant Classification Sherloc (09022015). Collection method: clinical testing. Allele origin: germline.
Comment: In summary, the available evidence is currently insufficient to determine the role of this variant in disease. Therefore, it has been classified as a Variant of Uncertain Significance. Algorithms developed to predict the effect of missense changes on protein structure and function are either unavailable or do not agree on the potential impact of this missense change (SIFT: "Deleterious"; PolyPhen-2: "Benign"; Align-GVGD: "Class C65"). This variant has not been reported in the literature in individuals affected with DNAH1-related conditions. The frequency data for this variant in the population databases is considered unreliable, as metrics indicate poor data quality at this position in the gnomAD database. This sequence change replaces serine, which is neutral and polar, with arginine, which is basic and polar, at codon 851 of the DNAH1 protein (p.Ser851Arg).